The following is an entry in ClinVar:

NM_005359.6(SMAD4):c.455C>T (p.Ala152Val)

Gene: SMAD4 (SMAD family member 4; plus strand). Cytogenetic location: 18q21.2.
Variant type: single nucleotide variant.
Coding change: c.455C>T on transcript NM_005359.6 (MANE Select); coding-DNA position 455, C replaced by T.
Protein change: p.Ala152Val; replaces alanine 152 with valine.
Molecular consequence: missense variant.
Genome position (GRCh38, 1-based): chr18:51,054,781, C>T. VCF-style: chr18-51054781-C-T. GRCh37 (hg19) VCF-style: chr18-48581151-C-T.
Other names: c.455C>T, p.Ala152Val (NM_001407041.1, NM_001407042.1, NM_001407043.1); short protein forms A152V.
Identifiers: ClinVar variation 1741481 (VCV001741481.4), dbSNP rs1568204964, ClinGen allele CA402460580.
Genomic context (GRCh38, chr18:51,054,781, plus strand): 5'-TTTTTTTTTCTGGGAATAGAAGCTTATAAAAATTTAAAATATGTTTAATTTTCTATATAG[C>T]TCCATCAAGTATGATGGTGAAGGATGAATATGTGCATGACTTTGAGGGACAGCCATCGTT-3'
Protein context (NP_005350.1, residues 142-162): DLSGLTLQSN[Ala152Val]PSSMMVKDEY

ClinVar aggregate classification (germline): Uncertain significance. Review status: criteria provided, multiple submitters, no conflicts (2 of 4 stars). 2 submissions from 2 submitters: Uncertain significance (2). Last evaluated 2025-03-13.

Conditions:
Familial thoracic aortic aneurysm and aortic dissection (TAAD). Also called: Thoracic aortic aneurysms and dissections. Identifiers: Orphanet 91387, MedGen C4707243, MONDO:0019625.
Hereditary cancer-predisposing syndrome. Also called: Neoplastic Syndromes, Hereditary; Hereditary neoplastic syndrome; Hereditary Cancer Syndrome; Tumor predisposition. Identifiers: Orphanet 140162, MedGen C0027672, MeSH D009386, MONDO:0015356.
SMAD4-related disorder. Also called: SMAD4-related condition; SMAD4-Related disorders.

Allele frequency attached by ClinVar (database versions not stated): gnomAD exomes below 0.00001.
gnomAD v4.1: 1 of 1,604,906 alleles (0.000062%); highest among the groups gnomAD compares: Non-Finnish European, 0.000085%; no homozygotes.

Submissions (2):

PreventionGenetics, part of Exact Sciences
Classification: Uncertain significance for SMAD4-related condition. Last evaluated: 2025-03-13. Review status: criteria provided, single submitter. Criteria: ACMG Guidelines, 2015. Collection method: clinical testing. Allele origin: germline.
Comment: The SMAD4 c.455C>T variant is predicted to result in the amino acid substitution p.Ala152Val. To our knowledge, this variant has not been reported in the literature or in a large population database (gnomAD), indicating this variant is rare. This variant is interpreted as having uncertain clinical significance in ClinVar. At this time, the clinical significance of this variant is uncertain due to the absence of conclusive functional and genetic evidence.

Ambry Genetics
Classification: Uncertain significance for Hereditary cancer-predisposing syndrome; Familial thoracic aortic aneurysm and aortic dissection. Last evaluated: 2024-07-31. Review status: criteria provided, single submitter. Criteria: Ambry Variant Classification Scheme 2023. Collection method: clinical testing. Allele origin: germline.
Comment: The p.A152V variant (also known as c.455C>T) is located in coding exon 4 of the SMAD4 gene, results from a C to T substitution at nucleotide position 455. This variant impacts the first base pair of coding exon 4. The alanine at codon 152 is replaced by valine, an amino acid with similar properties. This amino acid position is highly conserved in available vertebrate species. In addition, the in silico prediction for this alteration is inconclusive. Based on the available evidence, the clinical significance of this variant remains unclear.